The following is an entry in ClinVar:

NM_012463.4(ATP6V0A2):c.2338C>T (p.Arg780Cys)

Gene: ATP6V0A2 (ATPase H+ transporting V0 subunit a2; plus strand). Cytogenetic location: 12q24.31.
Variant type: single nucleotide variant.
Coding change: c.2338C>T on transcript NM_012463.4 (MANE Select); coding-DNA position 2338, C replaced by T.
Protein change: p.Arg780Cys; replaces arginine 780 with cysteine.
Molecular consequence: missense variant.
Genome position (GRCh38, 1-based): chr12:123,756,859, C>T. VCF-style: chr12-123756859-C-T. GRCh37 (hg19) VCF-style: chr12-124241406-C-T.
Other names: short protein forms R780C.
Identifiers: ClinVar variation 499896 (VCV000499896.6), dbSNP rs768609186, ClinGen allele CA6862221.

ClinVar aggregate classification (germline): Uncertain significance. Review status: criteria provided, multiple submitters, no conflicts (2 of 4 stars). 2 submissions from 2 submitters: Uncertain significance (2). Last evaluated 2019-09-13.

Conditions:
Cutis laxa with osteodystrophy (ARCL2A). Also called: CUTIS LAXA, AUTOSOMAL RECESSIVE, TYPE IIA; CUTIS LAXA WITH BONE DYSTROPHY; CUTIS LAXA WITH GROWTH AND DEVELOPMENTAL DELAY; CUTIS LAXA WITH JOINT LAXITY AND RETARDED DEVELOPMENT; Debré-Type Cutis Laxa; CUTIS LAXA WITH CONGENITAL DISORDER OF GLYCOSYLATION. Identifiers: Orphanet 357058, MedGen C0268355, MONDO:0018163, OMIM 219200. Disease mechanism: loss of function.

Allele frequency attached by ClinVar (database versions not stated): TOPMed 0.00002; ExAC 0.00002; gnomAD 0.00001 and 0.00002; gnomAD exomes 0.00001.
gnomAD v4.1: 20 of 1,614,060 alleles (0.0012%); highest among the groups gnomAD compares: South Asian, 0.0044%; no homozygotes.

Submissions (2):

Baylor Genetics
Classification: Uncertain significance for Cutis laxa with osteodystrophy. Last evaluated: 2019-09-13. Review status: criteria provided, single submitter. Criteria: ACMG Guidelines, 2015. Collection method: clinical testing. Allele origin: unknown. Affected: yes.
Comment: This variant was determined to be of uncertain significance according to ACMG Guidelines, 2015 [PMID:25741868].

Eurofins Ntd Llc (ga)
Classification: Uncertain significance. Last evaluated: 2017-01-26. Review status: criteria provided, single submitter. Criteria: EGL Classification Definitions 2015. Collection method: clinical testing. Allele origin: germline. Observed: 1 variant allele, 1 heterozygote.